The following is an entry in ClinVar:

NM_020297.4(ABCC9):c.2019+1G>A

Gene: ABCC9 (ATP binding cassette subfamily C member 9; minus strand). Cytogenetic location: 12p12.1.
Variant type: single nucleotide variant.
Coding change: c.2019+1G>A on transcript NM_020297.4 (MANE Select); the canonical splice donor site of the intron after coding-DNA position 2019, G replaced by A.
Molecular consequence: splice donor variant.
Genome position (GRCh38, 1-based): chr12:21,882,765, C>T on the plus strand (G>A on the coding strand, the complement: ABCC9 is on the minus strand). VCF-style: chr12-21882765-C-T. GRCh37 (hg19) VCF-style: chr12-22035699-C-T.
Other names: c.1155+1G>A (NM_001377274.1); c.2019+1G>A (NM_005691.4, NM_001377273.1).
Identifiers: ClinVar variation 3224912 (VCV003224912.2), dbSNP rs2541425433, ClinGen allele CA384135006.

ClinVar aggregate classification (germline): Conflicting classifications of pathogenicity. Review status: criteria provided, conflicting classifications (1 of 4 stars). 2 submissions from 2 submitters: Likely pathogenic (1); Uncertain significance (1). Last evaluated 2025-03-21.

Conditions:
Cardiovascular phenotype. Identifiers: MedGen CN230736.
Dilated cardiomyopathy 1O (CMD1O). Also called: CARDIOMYOPATHY, DILATED, WITH VENTRICULAR TACHYCARDIA. Identifiers: Orphanet 154, MedGen C1837839, MONDO:0012062, OMIM 608569.

Submissions (2):

Labcorp Genetics (formerly Invitae), Labcorp
Classification: Likely pathogenic for Dilated cardiomyopathy 1O. Last evaluated: 2025-03-21. Review status: criteria provided, single submitter. Criteria: Invitae Variant Classification Sherloc (09022015). Collection method: clinical testing. Allele origin: germline.
Comment: This sequence change affects a donor splice site in intron 14 of the ABCC9 gene. It is expected to disrupt RNA splicing. Variants that disrupt the donor or acceptor splice site typically lead to a loss of protein function (PMID: 16199547), and loss-of-function variants in ABCC9 are known to be pathogenic (PMID: 31575858, 38217872). This variant is not present in population databases (gnomAD no frequency). This variant has not been reported in the literature in individuals affected with ABCC9-related conditions. ClinVar contains an entry for this variant (Variation ID: 3224912). Algorithms developed to predict the effect of sequence changes on RNA splicing suggest that this variant may disrupt the consensus splice site. In summary, the currently available evidence indicates that the variant is pathogenic, but additional data are needed to prove that conclusively. Therefore, this variant has been classified as Likely Pathogenic.

Ambry Genetics
Classification: Uncertain significance for Cardiovascular phenotype. Last evaluated: 2023-11-21. Review status: criteria provided, single submitter. Criteria: Ambry Variant Classification Scheme 2023. Collection method: clinical testing. Allele origin: germline.
Comment: The c.2019+1G>A intronic variant results from a G to A substitution one nucleotide after coding exon 14 of the ABCC9 gene. This nucleotide position is highly conserved in available vertebrate species. In silico splice site analysis predicts that this alteration will weaken the native splice donor site. Alterations that disrupt the canonical splice site are expected to cause aberrant splicing, resulting in an abnormal protein or a transcript that is subject to nonsense-mediated mRNA decay. However, loss of function of ABCC9 has not been established as a mechanism of disease. Since supporting evidence is limited at this time, the clinical significance of this alteration remains unclear.

Literature cited by the submitters: PubMed 16199547 (cited by Labcorp Genetics (formerly Invitae), Labcorp); PubMed 31575858 (cited by Labcorp Genetics (formerly Invitae), Labcorp); PubMed 38217872 (cited by Labcorp Genetics (formerly Invitae), Labcorp).